The following is an entry in ClinVar:

NM_001195263.2(PDZD7):c.1916C>G (p.Ala639Gly)

Gene: PDZD7 (PDZ domain containing 7; minus strand). Cytogenetic location: 10q24.31.
Variant type: single nucleotide variant.
Coding change: c.1916C>G on transcript NM_001195263.2 (MANE Select); coding-DNA position 1916, C replaced by G.
Protein change: p.Ala639Gly; replaces alanine 639 with glycine.
Molecular consequence: missense variant.
Genome position (GRCh38, 1-based): chr10:101,011,942, G>C on the plus strand (C>G on the coding strand, the complement: PDZD7 is on the minus strand). VCF-style: chr10-101011942-G-C. GRCh37 (hg19) VCF-style: chr10-102771699-G-C.
Other names: short protein forms A639G.
Identifiers: ClinVar variation 1170477 (VCV001170477.14), dbSNP rs528139723, ClinGen allele CA5654024.

ClinVar aggregate classification (germline): Benign/Likely benign. Review status: criteria provided, multiple submitters, no conflicts (2 of 4 stars). 3 submissions from 3 submitters: Benign (1); Likely benign (2). Last evaluated 2026-06-01.

Allele frequency attached by ClinVar (database versions not stated): TOPMed 0.00012; gnomAD 0.00037 and 0.00004; gnomAD exomes 0.00066 and 0.00176; 1000 Genomes Project 0.00240; 1000 Genomes Project 30x 0.00281; ExAC 0.00623.
gnomAD v4.1: 988 of 1,550,318 alleles (0.064%); highest among the groups gnomAD compares: South Asian, 1%; 11 homozygotes.

Submissions (3):

CeGaT Center for Human Genetics Tuebingen
Classification: Likely benign. Last evaluated: 2026-06-01. Review status: criteria provided, single submitter. Criteria: CeGaT Center For Human Genetics Tuebingen Variant Classification Criteria Version 2. Collection method: clinical testing. Allele origin: germline. Affected: yes. Observed: 1 variant allele.
Comment: PDZD7: BP4, BS1

Labcorp Genetics (formerly Invitae), Labcorp
Classification: Benign. Last evaluated: 2026-01-21. Review status: criteria provided, single submitter. Criteria: Invitae Variant Classification Sherloc (09022015). Collection method: clinical testing. Allele origin: germline.

GeneDx
Classification: Likely benign. Last evaluated: 2019-11-14. Review status: criteria provided, single submitter. Criteria: GeneDx Variant Classification Process June 2021. Collection method: clinical testing. Allele origin: germline. Affected: yes.